The following is an entry in ClinVar:

NM_024915.4(GRHL2):c.1098+6T>C

Gene: GRHL2 (grainyhead like transcription factor 2; plus strand). Cytogenetic location: 8q22.3.
Variant type: single nucleotide variant.
Coding change: c.1098+6T>C on transcript NM_024915.4 (MANE Select); 6 bases into the intron after coding-DNA position 1098, T replaced by C.
Molecular consequence: intron variant.
Genome position (GRCh38, 1-based): chr8:101,599,157, T>C. VCF-style: chr8-101599157-T-C. GRCh37 (hg19) VCF-style: chr8-102611385-T-C.
Other names: c.1050+6T>C (NM_001330593.2).
Identifiers: ClinVar variation 1701553 (VCV001701553.33), dbSNP rs776382416, ClinGen allele CA4830480.

ClinVar aggregate classification (germline): Conflicting classifications of pathogenicity. Review status: criteria provided, conflicting classifications (1 of 4 stars). 2 submissions from 2 submitters: Uncertain significance (1); Likely benign (1). Last evaluated 2025-04-13.

Allele frequency attached by ClinVar (database versions not stated): gnomAD exomes 0.00001 and 0.00004; ExAC 0.00005; gnomAD 0.00015 and 0.00019; TOPMed 0.00015.
gnomAD v4.1: 35 of 1,568,656 alleles (0.0022%); highest among the groups gnomAD compares: African/African-American, 0.045%; no homozygotes.

Submissions (2):

Labcorp Genetics (formerly Invitae), Labcorp
Classification: Uncertain significance. Last evaluated: 2025-04-13. Review status: criteria provided, single submitter. Criteria: Invitae Variant Classification Sherloc (09022015). Collection method: clinical testing. Allele origin: germline.
Comment: This sequence change falls in intron 8 of the GRHL2 gene. It does not directly change the encoded amino acid sequence of the GRHL2 protein. It affects a nucleotide within the consensus splice site. This variant is present in population databases (rs776382416, gnomAD 0.05%). This variant has not been reported in the literature in individuals affected with GRHL2-related conditions. ClinVar contains an entry for this variant (Variation ID: 1701553). Variants that disrupt the consensus splice site are a relatively common cause of aberrant splicing (PMID: 17576681, 9536098). Algorithms developed to predict the effect of sequence changes on RNA splicing suggest that this variant is not likely to affect RNA splicing. In summary, the available evidence is currently insufficient to determine the role of this variant in disease. Therefore, it has been classified as a Variant of Uncertain Significance.

CeGaT Center for Human Genetics Tuebingen
Classification: Likely benign. Last evaluated: 2022-07-01. Review status: criteria provided, single submitter. Criteria: CeGaT Center For Human Genetics Tuebingen Variant Classification Criteria Version 2. Collection method: clinical testing. Allele origin: germline. Affected: yes. Observed: 1 variant allele.
Comment: GRHL2: BP4

Literature cited by the submitters: PubMed 17576681 (cited by Labcorp Genetics (formerly Invitae), Labcorp); PubMed 9536098 (cited by Labcorp Genetics (formerly Invitae), Labcorp).